The following is an entry in ClinVar:

NM_177924.5(ASAH1):c.64C>T (p.Gln22Ter)

Gene: ASAH1 (N-acylsphingosine amidohydrolase 1; minus strand). Cytogenetic location: 8p22.
Variant type: single nucleotide variant.
Coding change: c.64C>T on transcript NM_177924.5 (MANE Select); coding-DNA position 64, C replaced by T.
Protein change: p.Gln22Ter; replaces glutamine 22 with a stop codon.
Molecular consequence: nonsense. On other transcripts: intron variant (2).
Genome position (GRCh38, 1-based): chr8:18,083,995, G>A on the plus strand (C>T on the coding strand, the complement: ASAH1 is on the minus strand). VCF-style: chr8-18083995-G-A. GRCh37 (hg19) VCF-style: chr8-17941504-G-A.
Other names: c.126+681C>T (NM_004315.6, NM_001127505.3); short protein forms Q22*.
Identifiers: ClinVar variation 1459650 (VCV001459650.6), dbSNP rs756041561, ClinGen allele CA4651116.

ClinVar aggregate classification (germline): Pathogenic (1 of 4 stars; one submission).

Allele frequency attached by ClinVar (database versions not stated): gnomAD exomes 0.00001 and 0.00004; ExAC 0.00007.
gnomAD v4.1: 18 of 1,598,020 alleles (0.0011%); highest among the groups gnomAD compares: Non-Finnish European, 0.0013%; no homozygotes.

Submission:

Labcorp Genetics (formerly Invitae), Labcorp
Classification: Pathogenic. Last evaluated: 2021-01-29. Review status: criteria provided, single submitter. Criteria: Invitae Variant Classification Sherloc (09022015). Collection method: clinical testing. Allele origin: germline.
Comment: This sequence change creates a premature translational stop signal (p.Gln22*) in the ASAH1 gene. It is expected to result in an absent or disrupted protein product. Loss-of-function variants in ASAH1 are known to be pathogenic (PMID: 24164096, 24355074). For these reasons, this variant has been classified as Pathogenic. This variant has not been reported in the literature in individuals with ASAH1-related conditions. This variant is present in population databases (rs756041561, ExAC 0.01%).

Literature cited by the submitters: PubMed 24164096; PubMed 24355074.